The following is an entry in ClinVar:

ClinVar aggregate classification (germline): Benign/Likely benign. Review status: criteria provided, multiple submitters, no conflicts (2 of 4 stars). 6 submissions from 6 submitters: Benign (3); Likely benign (3). Last evaluated 2026-02-01.

Conditions:
Cardiovascular phenotype. Identifiers: MedGen CN230736.

Allele frequency attached by ClinVar (database versions not stated): gnomAD 0.00902 and 0.00963; ESP Exome Variant Server 0.00941; 1000 Genomes Project 0.00958; 1000 Genomes Project 30x 0.01109; gnomAD exomes 0.00248; ExAC 0.00278.

Submissions (6):

Labcorp Genetics (formerly Invitae), Labcorp
Classification: Benign. Last evaluated: 2026-02-01. Review status: criteria provided, single submitter. Criteria: Invitae Variant Classification Sherloc (09022015). Collection method: clinical testing. Allele origin: germline.

Women's Health and Genetics/Laboratory Corporation of America, LabCorp
Classification: Likely benign. Last evaluated: 2026-01-22. Review status: criteria provided, single submitter. Criteria: LabCorp Variant Classification Summary - May 2015. Collection method: clinical testing. Allele origin: germline.

Mayo Clinic Laboratories, Mayo Clinic
Classification: Benign. Last evaluated: 2023-04-26. Review status: criteria provided, single submitter. Criteria: ACMG Guidelines, 2015. Collection method: clinical testing. Allele origin: germline. Observed: 8 variant alleles.
Comment: BS1, BS2, BP4

GeneDx
Classification: Likely benign. Last evaluated: 2020-12-30. Review status: criteria provided, single submitter. Criteria: GeneDx Variant Classification Process June 2021. Collection method: clinical testing. Allele origin: germline. Affected: yes.

Ambry Genetics
Classification: Benign for Cardiovascular phenotype. Last evaluated: 2019-03-29. Review status: criteria provided, single submitter. Criteria: Ambry Variant Classification Scheme 2023. Collection method: clinical testing. Allele origin: germline.

Breakthrough Genomics
Classification: Likely benign. Review status: criteria provided, single submitter. Criteria: ACMG Guidelines, 2015. Collection method: not provided. Allele origin: germline. Inheritance: Autosomal recessive inheritance. Affected: yes.

NM_001365276.2(TNXB):c.7720A>G (p.Lys2574Glu)

Gene: TNXB (tenascin XB; minus strand). Cytogenetic location: 6p21.33.
Variant type: single nucleotide variant.
Coding change: c.7720A>G on transcript NM_001365276.2 (MANE Select); coding-DNA position 7720, A replaced by G.
Protein change: p.Lys2574Glu; replaces lysine 2574 with glutamic acid.
Molecular consequence: missense variant.
Genome position (GRCh38, 1-based): chr6:32,058,163, T>C on the plus strand (A>G on the coding strand, the complement: TNXB is on the minus strand). VCF-style: chr6-32058163-T-C. GRCh37 (hg19) VCF-style: chr6-32025940-T-C.
Other names: p.Lys2574Glu; c.7720A>G, p.Lys2574Glu (NM_019105.8); short protein forms K2574E.
Identifiers: ClinVar variation 1188635 (VCV001188635.8), dbSNP rs187409250, ClinGen allele CA3734077.